The following is an entry in ClinVar:

NM_002778.4(PSAP):c.1323C>G (p.Ser441Arg)

Gene: PSAP (prosaposin; minus strand). Cytogenetic location: 10q22.1.
Variant type: single nucleotide variant.
Coding change: c.1323C>G on transcript NM_002778.4 (MANE Select); coding-DNA position 1323, C replaced by G.
Protein change: p.Ser441Arg; replaces serine 441 with arginine.
Molecular consequence: missense variant.
Genome position (GRCh38, 1-based): chr10:71,819,492, G>C on the plus strand (C>G on the coding strand, the complement: PSAP is on the minus strand). VCF-style: chr10-71819492-G-C. GRCh37 (hg19) VCF-style: chr10-73579249-G-C.
Other names: c.1332C>G, p.Ser444Arg (NM_001042465.3); c.1329C>G, p.Ser443Arg (NM_001042466.3); short protein forms S441R, S443R, S444R.
Identifiers: ClinVar variation 991961 (VCV000991961.4), dbSNP rs1419823465, ClinGen allele CA377142514.

ClinVar aggregate classification (germline): Uncertain significance. Review status: criteria provided, multiple submitters, no conflicts (2 of 4 stars). 3 submissions from 3 submitters: Uncertain significance (2). 1 of the submissions does not count toward it. Last evaluated 2025-12-22.

Conditions:
Sphingolipid activator protein 1 deficiency. Also called: METACHROMATIC LEUKODYSTROPHY DUE TO CEREBROSIDE SULFATASE ACTIVATOR DEFICIENCY; Saposin B Deficiency; Metachromatic leukodystrophy due to saposin B deficiency. Identifiers: Orphanet 512, MedGen C0268262, MONDO:0009590, OMIM 249900.
Metachromatic leukodystrophy (MLD). Also called: METACHROMATIC LEUKOENCEPHALOPATHY; Arylsulfatase A Deficiency; SULFATIDE LIPIDOSIS; ARSA DEFICIENCY; CEREBROSIDE SULFATASE DEFICIENCY; Cerebral sclerosis diffuse metachromatic form. Identifiers: Orphanet 512, MedGen C0023522, MONDO:0018868, OMIM 250100.

gnomAD v4.1: 2 of 1,614,230 alleles (0.00012%); highest among the groups gnomAD compares: Non-Finnish European, 0.00017%; no homozygotes.

Submissions (3):

Women's Health and Genetics/Laboratory Corporation of America, LabCorp
Classification: Uncertain significance. Last evaluated: 2025-12-22. Review status: criteria provided, single submitter. Criteria: LabCorp Variant Classification Summary - May 2015. Collection method: clinical testing. Allele origin: germline.
Comment: Variant summary: PSAP c.1323C>G (p.Ser441Arg) results in a non-conservative amino acid change in the encoded protein sequence. Algorithms developed to predict the effect of missense changes on protein structure and function all suggest that this variant is likely to be disruptive. The variant was absent in 251474 control chromosomes. The available data on variant occurrences in the general population are insufficient to allow any conclusion about variant significance. To our knowledge, no occurrence of c.1323C>G in individuals affected with PSAP-related conditions and no experimental evidence demonstrating its impact on protein function have been reported. ClinVar contains an entry for this variant (Variation ID: 991961). Based on the evidence outlined above, the variant was classified as uncertain significance.

Labcorp Genetics (formerly Invitae), Labcorp
Classification: Uncertain significance for Sphingolipid activator protein 1 deficiency. Last evaluated: 2022-03-23. Review status: criteria provided, single submitter. Criteria: Invitae Variant Classification Sherloc (09022015). Collection method: clinical testing. Allele origin: germline.
Comment: This sequence change replaces serine, which is neutral and polar, with arginine, which is basic and polar, at codon 441 of the PSAP protein (p.Ser441Arg). This variant is not present in population databases (gnomAD no frequency). This variant has not been reported in the literature in individuals affected with PSAP-related conditions. ClinVar contains an entry for this variant (Variation ID: 991961). Algorithms developed to predict the effect of missense changes on protein structure and function are either unavailable or do not agree on the potential impact of this missense change (SIFT: "Not Available"; PolyPhen-2: "Probably Damaging"; Align-GVGD: "Not Available"). In summary, the available evidence is currently insufficient to determine the role of this variant in disease. Therefore, it has been classified as a Variant of Uncertain Significance.

Natera, Inc.
Classification: Uncertain significance for Metachromatic leukodystrophy. Last evaluated: 2020-08-28. Review status: no assertion criteria provided. Collection method: clinical testing. Allele origin: germline. Not counted in ClinVar's aggregate classification.